The following is an entry in ClinVar:

NM_001386140.1(MTTP):c.2514-3C>A

Gene: MTTP (microsomal triglyceride transfer protein; plus strand). Cytogenetic location: 4q23.
Variant type: single nucleotide variant.
Coding change: c.2514-3C>A on transcript NM_001386140.1 (MANE Select); 3 bases into the intron before coding-DNA position 2514, C replaced by A.
Molecular consequence: intron variant.
Genome position (GRCh38, 1-based): chr4:99,622,674, C>A. VCF-style: chr4-99622674-C-A. GRCh37 (hg19) VCF-style: chr4-100543831-C-A.
Other names: c.2514-3C>A (NM_000253.4); c.2265-3C>A (NM_001300785.2).
Identifiers: ClinVar variation 1420882 (VCV001420882.3), dbSNP rs377092385, ClinGen allele CA102652202.

ClinVar aggregate classification (germline): Uncertain significance (1 of 4 stars; one submission).

Allele frequency attached by ClinVar (database versions not stated): gnomAD 0.00001; TOPMed 0.00001; ESP Exome Variant Server 0.00008.
gnomAD v4.1: 2 of 1,613,608 alleles (0.00012%); highest among the groups gnomAD compares: African/African-American, 0.0027%; no homozygotes.

Submission:

Labcorp Genetics (formerly Invitae), Labcorp
Classification: Uncertain significance. Last evaluated: 2021-11-12. Review status: criteria provided, single submitter. Criteria: Invitae Variant Classification Sherloc (09022015). Collection method: clinical testing. Allele origin: germline.
Comment: This sequence change falls in intron 18 of the MTTP gene. It does not directly change the encoded amino acid sequence of the MTTP protein. It affects a nucleotide within the consensus splice site. This variant is present in population databases (rs377092385, gnomAD 0.007%). This variant has not been reported in the literature in individuals affected with MTTP-related conditions. Variants that disrupt the consensus splice site are a relatively common cause of aberrant splicing (PMID: 17576681, 9536098). Algorithms developed to predict the effect of sequence changes on RNA splicing suggest that this variant may disrupt the consensus splice site. In summary, the available evidence is currently insufficient to determine the role of this variant in disease. Therefore, it has been classified as a Variant of Uncertain Significance.

Literature cited by the submitters: PubMed 17576681; PubMed 9536098.